The following is an entry in ClinVar:

ClinVar aggregate classification (germline): Likely benign. Review status: criteria provided, single submitter (1 of 4 stars). 2 submissions from 2 submitters: Likely benign (1). 1 of the submissions does not count toward it. Last evaluated 2024-02-17.

Conditions:
KMT2D-related disorder. Also called: KMT2D-Related Disorders.
Kabuki syndrome. Also called: NIIKAWA-KUROKI SYNDROME; Kabuki make-up syndrome. Identifiers: Orphanet 2322, MedGen C0796004, MONDO:0016512.

Allele frequency attached by ClinVar (database versions not stated): gnomAD exomes below 0.00001; TOPMed 0.00001.
gnomAD v4.1: 2 of 1,613,424 alleles (0.00012%); highest among the groups gnomAD compares: Non-Finnish European, 0.000085%; no homozygotes.

Submissions (2):

Labcorp Genetics (formerly Invitae), Labcorp
Classification: Likely benign for Kabuki syndrome. Last evaluated: 2024-02-17. Review status: criteria provided, single submitter. Criteria: Invitae Variant Classification Sherloc (09022015). Collection method: clinical testing. Allele origin: germline.

PreventionGenetics, part of Exact Sciences
Classification: Likely benign for KMT2D-related condition. Last evaluated: 2024-02-08. Review status: no assertion criteria provided. Collection method: clinical testing. Allele origin: germline. Not counted in ClinVar's aggregate classification.
Comment: This variant is classified as likely benign based on ACMG/AMP sequence variant interpretation guidelines (Richards et al. 2015 PMID: 25741868, with internal and published modifications).

NM_003482.4(KMT2D):c.1218C>T (p.Pro406=)

Gene: KMT2D (lysine methyltransferase 2D; minus strand). Cytogenetic location: 12q13.12.
Variant type: single nucleotide variant.
Coding change: c.1218C>T on transcript NM_003482.4 (MANE Select); coding-DNA position 1218, C replaced by T.
Protein change: p.Pro406=; no amino-acid change (proline 406 retained).
Molecular consequence: synonymous variant.
Genome position (GRCh38, 1-based): chr12:49,052,604, G>A on the plus strand (C>T on the coding strand, the complement: KMT2D is on the minus strand). VCF-style: chr12-49052604-G-A. GRCh37 (hg19) VCF-style: chr12-49446387-G-A.
Identifiers: ClinVar variation 3059452 (VCV003059452.4), dbSNP rs1938142621, ClinGen allele CA479514944.